The following is an entry in ClinVar:

NM_199420.4(POLQ):c.6827G>A (p.Gly2276Asp)

Gene: POLQ (DNA polymerase theta; minus strand). Cytogenetic location: 3q13.33.
Variant type: single nucleotide variant.
Coding change: c.6827G>A on transcript NM_199420.4 (MANE Select); coding-DNA position 6827, G replaced by A.
Protein change: p.Gly2276Asp; replaces glycine 2276 with aspartic acid.
Molecular consequence: missense variant.
Genome position (GRCh38, 1-based): chr3:121,468,323, C>T on the plus strand (G>A on the coding strand, the complement: POLQ is on the minus strand). VCF-style: chr3-121468323-C-T. GRCh37 (hg19) VCF-style: chr3-121187170-C-T.
Other names: short protein forms G2276D.
Identifiers: ClinVar variation 1755664 (VCV001755664.2), dbSNP rs758239782, ClinGen allele CA2562352.

ClinVar aggregate classification (germline): Uncertain significance (1 of 4 stars; one submission).

Allele frequency attached by ClinVar (database versions not stated): gnomAD 0.00001; ExAC 0.00002.

Submission:

Ambry Genetics
Classification: Uncertain significance. Last evaluated: 2021-11-22. Review status: criteria provided, single submitter. Criteria: Ambry Variant Classification Scheme 2023. Collection method: clinical testing. Allele origin: germline.
Comment: The p.G2276D variant (also known as c.6827G>A), located in coding exon 23 of the POLQ gene, results from a G to A substitution at nucleotide position 6827. The glycine at codon 2276 is replaced by aspartic acid, an amino acid with similar properties. This amino acid position is conserved. In addition, this alteration is predicted to be tolerated by in silico analysis. Since supporting evidence is limited at this time, the clinical significance of this alteration remains unclear.